The following is an entry in ClinVar:

ClinVar aggregate classification (germline): Uncertain significance. Review status: criteria provided, multiple submitters, no conflicts (2 of 4 stars). 5 submissions from 5 submitters: Uncertain significance (5). Last evaluated 2026-02-18.

Conditions:
CSRP3-related disorder. Also called: CSRP3-related disorders; CSRP3-related condition.
Cardiovascular phenotype. Identifiers: MedGen CN230736.
Hypertrophic cardiomyopathy 12. Identifiers: MedGen C2677491, MONDO:0012804, OMIM 612124.
Dilated cardiomyopathy 1M (CMD1M). Identifiers: Orphanet 154, MedGen C1843808, MONDO:0011840, OMIM 607482.

Allele frequency attached by ClinVar (database versions not stated): ExAC 0.00002; ESP Exome Variant Server 0.00008; TOPMed 0.00009.

Submissions (5):

PreventionGenetics, part of Exact Sciences
Classification: Uncertain significance for CSRP3-related condition. Last evaluated: 2026-02-18. Review status: criteria provided, single submitter. Criteria: ACMG Guidelines, 2015. Collection method: clinical testing. Allele origin: germline.
Comment: The CSRP3 c.149C>T variant is predicted to result in the amino acid substitution p.Ala50Val. To our knowledge, this variant has not been reported in the literature. This variant is reported in 0.024% of alleles in individuals of African descent in gnomAD. At this time, the clinical significance of this variant is uncertain due to the absence of conclusive functional and genetic evidence.

Labcorp Genetics (formerly Invitae), Labcorp
Classification: Uncertain significance for Hypertrophic cardiomyopathy 12; Dilated cardiomyopathy 1M. Last evaluated: 2026-01-07. Review status: criteria provided, single submitter. Criteria: Invitae Variant Classification Sherloc (09022015). Collection method: clinical testing. Allele origin: germline.
Comment: This sequence change replaces alanine, which is neutral and non-polar, with valine, which is neutral and non-polar, at codon 50 of the CSRP3 protein (p.Ala50Val). This variant is present in population databases (rs139805841, gnomAD 0.02%). This variant has not been reported in the literature in individuals affected with CSRP3-related conditions. ClinVar contains an entry for this variant (Variation ID: 960236). An algorithm developed to predict the effect of missense changes on protein structure and function (PolyPhen-2) suggests that this variant is likely to be disruptive. In summary, the available evidence is currently insufficient to determine the role of this variant in disease. Therefore, it has been classified as a Variant of Uncertain Significance.

Ambry Genetics
Classification: Uncertain significance for Cardiovascular phenotype. Last evaluated: 2024-07-09. Review status: criteria provided, single submitter. Criteria: Ambry Variant Classification Scheme 2023. Collection method: clinical testing. Allele origin: germline.
Comment: The p.A50V variant (also known as c.149C>T), located in coding exon 2 of the CSRP3 gene, results from a C to T substitution at nucleotide position 149. The alanine at codon 50 is replaced by valine, an amino acid with similar properties. This amino acid position is highly conserved in available vertebrate species. In addition, the in silico prediction for this alteration is inconclusive. Since supporting evidence is limited at this time, the clinical significance of this alteration remains unclear.

GeneDx
Classification: Uncertain significance. Last evaluated: 2024-03-20. Review status: criteria provided, single submitter. Criteria: GeneDx Variant Classification Process June 2021. Collection method: clinical testing. Allele origin: germline. Affected: yes.
Comment: In silico analysis supports that this missense variant does not alter protein structure/function; Has not been previously published as pathogenic or benign to our knowledge

Fulgent Genetics
Classification: Uncertain significance for Dilated cardiomyopathy 1M; Hypertrophic cardiomyopathy 12. Last evaluated: 2021-10-07. Review status: criteria provided, single submitter. Criteria: ACMG Guidelines, 2015. Collection method: clinical testing. Allele origin: unknown.

NM_003476.5(CSRP3):c.149C>T (p.Ala50Val)

Gene: CSRP3 (cysteine and glycine rich protein 3; minus strand). Cytogenetic location: 11p15.1.
Variant type: single nucleotide variant.
Coding change: c.149C>T on transcript NM_003476.5 (MANE Select); coding-DNA position 149, C replaced by T.
Protein change: p.Ala50Val; replaces alanine 50 with valine.
Molecular consequence: missense variant. On other transcripts: intron variant (1).
Genome position (GRCh38, 1-based): chr11:19,188,268, G>A on the plus strand (C>T on the coding strand, the complement: CSRP3 is on the minus strand). VCF-style: chr11-19188268-G-A. GRCh37 (hg19) VCF-style: chr11-19209815-G-A.
Other names: c.113-1920C>T (NM_001369404.1); short protein forms A50V.
Identifiers: ClinVar variation 960236 (VCV000960236.12), dbSNP rs139805841, ClinGen allele CA5916639.